The following is an entry in ClinVar:

NM_152703.5(SAMD9L):c.833A>G (p.Asn278Ser)

Gene: SAMD9L (sterile alpha motif domain containing 9 like; minus strand). Cytogenetic location: 7q21.2.
Variant type: single nucleotide variant.
Coding change: c.833A>G on transcript NM_152703.5 (MANE Select); coding-DNA position 833, A replaced by G.
Protein change: p.Asn278Ser; replaces asparagine 278 with serine.
Molecular consequence: missense variant.
Genome position (GRCh38, 1-based): chr7:93,135,139, T>C on the plus strand (A>G on the coding strand, the complement: SAMD9L is on the minus strand). VCF-style: chr7-93135139-T-C. GRCh37 (hg19) VCF-style: chr7-92764452-T-C.
Other names: c.833A>G, p.Asn278Ser (NM_001303496.3, NM_001303497.3, NM_001303498.3 and 5 more transcripts); c.833A>G (NM_152703.2); short protein forms N278S.
Identifiers: ClinVar variation 1464168 (VCV001464168.7), dbSNP rs373196808, ClinGen allele CA4343807.

ClinVar aggregate classification (germline): Uncertain significance. Review status: criteria provided, multiple submitters, no conflicts (2 of 4 stars). 2 submissions from 2 submitters: Uncertain significance (2). Last evaluated 2025-02-21.

Conditions:
Inborn genetic diseases. Identifiers: MedGen C0950123, MeSH D030342.

Allele frequency attached by ClinVar (database versions not stated): gnomAD exomes 0.00001; ExAC 0.00002; gnomAD 0.00002; TOPMed 0.00002; ESP Exome Variant Server 0.00008.

Submissions (2):

Ambry Genetics
Classification: Uncertain significance for Inborn genetic diseases. Last evaluated: 2025-02-21. Review status: criteria provided, single submitter. Criteria: Ambry Variant Classification Scheme 2023. Collection method: clinical testing. Allele origin: germline.
Comment: The p.N278S variant (also known as c.833A>G), located in coding exon 1 of the SAMD9L gene, results from an A to G substitution at nucleotide position 833. The asparagine at codon 278 is replaced by serine, an amino acid with highly similar properties. This amino acid position is conserved. In addition, this alteration is predicted to be tolerated by in silico analysis. Based on the available evidence, the clinical significance of this variant remains unclear.

Labcorp Genetics (formerly Invitae), Labcorp
Classification: Uncertain significance. Last evaluated: 2023-08-21. Review status: criteria provided, single submitter. Criteria: Invitae Variant Classification Sherloc (09022015). Collection method: clinical testing. Allele origin: germline.
Comment: In summary, the available evidence is currently insufficient to determine the role of this variant in disease. Therefore, it has been classified as a Variant of Uncertain Significance. Algorithms developed to predict the effect of missense changes on protein structure and function output the following: SIFT: "Not Available"; PolyPhen-2: "Benign"; Align-GVGD: "Not Available". The serine amino acid residue is found in multiple mammalian species, which suggests that this missense change does not adversely affect protein function. ClinVar contains an entry for this variant (Variation ID: 1464168). This variant has not been reported in the literature in individuals affected with SAMD9L-related conditions. This variant is present in population databases (rs373196808, gnomAD 0.004%). This sequence change replaces asparagine, which is neutral and polar, with serine, which is neutral and polar, at codon 278 of the SAMD9L protein (p.Asn278Ser).